The following is an entry in ClinVar:

ClinVar aggregate classification (germline): Pathogenic. Review status: criteria provided, multiple submitters, no conflicts (2 of 4 stars). 2 submissions from 2 submitters: Pathogenic (2). Last evaluated 2025-04-23.

Conditions:
Retinitis pigmentosa 25 (RP25). Identifiers: Orphanet 791, MedGen C1864446, MONDO:0011272, OMIM 602772.

Submissions (2):

Myriad Genetics, Inc.
Classification: Pathogenic for Retinitis pigmentosa 25. Last evaluated: 2025-04-23. Review status: criteria provided, single submitter. Criteria: Myriad Autosomal Dominant, Autosomal Recessive and X-Linked Classification Criteria (2023). Collection method: clinical testing. Allele origin: unknown.
Comment: NM_001142800.1(EYS):c.3676G>T(G1226*) is expected to be pathogenic in the context of retinitis pigmentosa, EYS-related. This variant is predicted to lead to an abnormal or absent protein product due to the creation of a premature termination codon in EYS, a gene where loss-of-function variants are known to be pathogenic. Please note: this variant was assessed in the context of healthy population screening.

Labcorp Genetics (formerly Invitae), Labcorp
Classification: Pathogenic. Last evaluated: 2023-07-30. Review status: criteria provided, single submitter. Criteria: Invitae Variant Classification Sherloc (09022015). Collection method: clinical testing. Allele origin: germline.
Comment: This sequence change creates a premature translational stop signal (p.Gly1226*) in the EYS gene. It is expected to result in an absent or disrupted protein product. Loss-of-function variants in EYS are known to be pathogenic (PMID: 18836446, 20333770). This variant is present in population databases (no rsID available, gnomAD 0.007%). This variant has not been reported in the literature in individuals affected with EYS-related conditions. ClinVar contains an entry for this variant (Variation ID: 1071148). For these reasons, this variant has been classified as Pathogenic.

Literature cited by the submitters: PubMed 18836446 (cited by Labcorp Genetics (formerly Invitae), Labcorp); PubMed 20333770 (cited by Labcorp Genetics (formerly Invitae), Labcorp).

NM_001142800.2(EYS):c.3676G>T (p.Gly1226Ter)

Gene: EYS (EGF-like photoreceptor maintenance factor; minus strand). Cytogenetic location: 6q12.
Variant type: single nucleotide variant.
Coding change: c.3676G>T on transcript NM_001142800.2 (MANE Select); coding-DNA position 3676, G replaced by T.
Protein change: p.Gly1226Ter; replaces glycine 1226 with a stop codon.
Molecular consequence: nonsense.
Genome position (GRCh38, 1-based): chr6:64,617,426, C>A on the plus strand (G>T on the coding strand, the complement: EYS is on the minus strand). VCF-style: chr6-64617426-C-A. GRCh37 (hg19) VCF-style: chr6-65327319-C-A.
Other names: c.3676G>T, p.Gly1226Ter (NM_001292009.2); short protein forms G1226*.
Identifiers: ClinVar variation 1071148 (VCV001071148.8), dbSNP rs1405658671, ClinGen allele CA364784983.